The following is an entry in ClinVar:

NM_000219.6(KCNE1):c.206A>T (p.Lys69Met)

Gene: KCNE1 (potassium voltage-gated channel subfamily E regulatory subunit 1; minus strand). Cytogenetic location: 21q22.12.
Variant type: single nucleotide variant.
Coding change: c.206A>T on transcript NM_000219.6 (MANE Select); coding-DNA position 206, A replaced by T.
Protein change: p.Lys69Met; replaces lysine 69 with methionine.
Molecular consequence: missense variant.
Genome position (GRCh38, 1-based): chr21:34,449,429, T>A on the plus strand (A>T on the coding strand, the complement: KCNE1 is on the minus strand). VCF-style: chr21-34449429-T-A. GRCh37 (hg19) VCF-style: chr21-35821727-T-A.
Other names: c.206A>T, p.Lys69Met (NM_001127668.4, NM_001127669.4, NM_001127670.4 and 4 more transcripts); short protein forms K69M.
Identifiers: ClinVar variation 3374329 (VCV003374329.2).

Conditions:
Long QT syndrome 5 (LQT5). Identifiers: Orphanet 101016, Orphanet 768, MedGen C1867904, MONDO:0013372, OMIM 613695.

Submission:

Roden Lab, Vanderbilt University Medical Center
No classification provided (evidence only). Condition: Long QT syndrome 5. Review status: no classification provided. Collection method: in vitro. Allele origin: not applicable. Functional consequence: Effect on ion channel function.
ClinVar note: "not provided" was previously submitted as the classification for the variant. However, the classification appeared to be based only on an observation of functional data so it was converted to no classification on 2025-07-30.